The following is an entry in ClinVar:

ClinVar aggregate classification (germline): Uncertain significance (1 of 4 stars; one submission).

Conditions:
Episodic ataxia type 1 (EA1). Also called: Episodic ataxia/myokymia syndrome; ATAXIA, EPISODIC, WITH MYOKYMIA; MYOKYMIA WITH PERIODIC ATAXIA; PAROXYSMAL ATAXIA WITH NEUROMYOTONIA, HEREDITARY. Identifiers: Orphanet 37612, Orphanet 972, MedGen C1719788, MONDO:0008047, OMIM 160120.

Submission:

Labcorp Genetics (formerly Invitae), Labcorp
Classification: Uncertain significance for Episodic ataxia type 1. Last evaluated: 2025-01-23. Review status: criteria provided, single submitter. Criteria: Invitae Variant Classification Sherloc (09022015). Collection method: clinical testing. Allele origin: germline.
Comment: This sequence change replaces leucine, which is neutral and non-polar, with proline, which is neutral and non-polar, at codon 63 of the KCNA1 protein (p.Leu63Pro). This variant is not present in population databases (gnomAD no frequency). This variant has not been reported in the literature in individuals affected with KCNA1-related conditions. Invitae Evidence Modeling of protein sequence and biophysical properties (such as structural, functional, and spatial information, amino acid conservation, physicochemical variation, residue mobility, and thermodynamic stability) indicates that this missense variant is expected to disrupt KCNA1 protein function with a positive predictive value of 95%. In summary, the available evidence is currently insufficient to determine the role of this variant in disease. Therefore, it has been classified as a Variant of Uncertain Significance.

NM_000217.3(KCNA1):c.188T>C (p.Leu63Pro)

Gene: KCNA1 (potassium voltage-gated channel subfamily A member 1; plus strand). Cytogenetic location: 12p13.32.
Variant type: single nucleotide variant.
Coding change: c.188T>C on transcript NM_000217.3 (MANE Select); coding-DNA position 188, T replaced by C.
Protein change: p.Leu63Pro; replaces leucine 63 with proline.
Molecular consequence: missense variant.
Genome position (GRCh38, 1-based): chr12:4,911,566, T>C. VCF-style: chr12-4911566-T-C. GRCh37 (hg19) VCF-style: chr12-5020732-T-C.
Other names: short protein forms L63P.
Identifiers: ClinVar variation 3686560 (VCV003686560.2).
Genomic context (GRCh38, chr12:4,911,566, plus strand): 5'-TCTCCGGGCTGCGCTTCGAGACGCAGCTCAAGACCCTGGCGCAGTTCCCCAACACGCTGC[T>C]GGGCAACCCTAAGAAACGCATGCGCTACTTCGACCCCCTGAGGAACGAGTACTTCTTCGA-3'
Protein context (NP_000208.2, residues 53-73): KTLAQFPNTL[Leu63Pro]GNPKKRMRYF